The following is an entry in ClinVar:

NM_002470.4(MYH3):c.5286+6G>C

Gene: MYH3 (myosin heavy chain 3; minus strand). Cytogenetic location: 17p13.1.
Variant type: single nucleotide variant.
Coding change: c.5286+6G>C on transcript NM_002470.4 (MANE Select); 6 bases into the intron after coding-DNA position 5286, G replaced by C.
Molecular consequence: intron variant.
Genome position (GRCh38, 1-based): chr17:10,631,605, C>G on the plus strand (G>C on the coding strand, the complement: MYH3 is on the minus strand). VCF-style: chr17-10631605-C-G. GRCh37 (hg19) VCF-style: chr17-10534922-C-G.
Identifiers: ClinVar variation 321718 (VCV000321718.9), dbSNP rs576168867, ClinGen allele CA8391990.

ClinVar aggregate classification (germline): Uncertain significance. Review status: criteria provided, multiple submitters, no conflicts (2 of 4 stars). 3 submissions from 2 submitters: Uncertain significance (3). Last evaluated 2024-11-18.

Conditions:
Distal arthrogryposis type 2B1 (DA2B1). Also called: Arthrogryposis multiplex congenita distal type II with craniofacial abnormalities. Identifiers: Orphanet 1147, MedGen C5193014, MONDO:0020820, OMIM 601680.
Freeman-Sheldon syndrome (DA2A). Also called: CRANIOCARPOTARSAL DYSPLASIA; CRANIOCARPOTARSAL DYSTROPHY; WHISTLING FACE-WINDMILL VANE HAND SYNDROME; Arthrogryposis, distal, type 2A (Freeman-Sheldon). Identifiers: Orphanet 2053, MedGen C0265224, MONDO:0008675, OMIM 193700.

Allele frequency attached by ClinVar (database versions not stated): ExAC 0.00003; gnomAD exomes 0.00004.
gnomAD v4.1: 54 of 1,614,156 alleles (0.0033%); highest among the groups gnomAD compares: South Asian, 0.044%; 2 homozygotes.

Submissions (3):

Labcorp Genetics (formerly Invitae), Labcorp
Classification: Uncertain significance. Last evaluated: 2024-11-18. Review status: criteria provided, single submitter. Criteria: Invitae Variant Classification Sherloc (09022015). Collection method: clinical testing. Allele origin: germline.
Comment: This sequence change falls in intron 36 of the MYH3 gene. It does not directly change the encoded amino acid sequence of the MYH3 protein. It affects a nucleotide within the consensus splice site. This variant is present in population databases (rs576168867, gnomAD 0.03%). This variant has not been reported in the literature in individuals affected with MYH3-related conditions. ClinVar contains an entry for this variant (Variation ID: 321718). Variants that disrupt the consensus splice site are a relatively common cause of aberrant splicing (PMID: 17576681, 9536098). Algorithms developed to predict the effect of sequence changes on RNA splicing suggest that this variant is not likely to affect RNA splicing. In summary, the available evidence is currently insufficient to determine the role of this variant in disease. Therefore, it has been classified as a Variant of Uncertain Significance.

Illumina Laboratory Services, Illumina
Classification: Uncertain significance for Distal arthrogryposis type 2B1. Last evaluated: 2018-01-12. Review status: criteria provided, single submitter. Criteria: ICSL Variant Classification Criteria 13 December 2019. Collection method: clinical testing. Allele origin: germline.

Illumina Laboratory Services, Illumina
Classification: Uncertain significance for Freeman-Sheldon syndrome. Last evaluated: 2018-01-12. Review status: criteria provided, single submitter. Criteria: ICSL Variant Classification Criteria 13 December 2019. Collection method: clinical testing. Allele origin: germline.

Literature cited by the submitters: PubMed 17576681 (cited by Labcorp Genetics (formerly Invitae), Labcorp); PubMed 9536098 (cited by Labcorp Genetics (formerly Invitae), Labcorp).